The following is an entry in ClinVar:

ClinVar aggregate classification (germline): Conflicting classifications of pathogenicity. Review status: criteria provided, conflicting classifications (1 of 4 stars). 14 submissions from 14 submitters: Uncertain significance (1); Benign (1); Likely benign (8). 4 of the submissions do not count toward it. Last evaluated 2026-09-01.

Conditions:
BRCA2-related disorder. Also called: BRCA2-related condition; BRCA2-related disorders. Identifiers: MedGen CN239275.
Hereditary cancer-predisposing syndrome. Also called: Hereditary Cancer Syndrome; Neoplastic Syndromes, Hereditary; Hereditary neoplastic syndrome; Tumor predisposition. Identifiers: Orphanet 140162, MedGen C0027672, MeSH D009386, MONDO:0015356.
Hereditary breast ovarian cancer syndrome. Also called: Hereditary breast and ovarian cancer syndrome; Breast and ovarian cancer; BRCA1- and BRCA2-Associated Hereditary Breast and Ovarian Cancer; Hereditary breast and/or ovarian cancer syndrome; Hereditary breast and ovarian cancer; Hereditary breast and ovarian cancer syndrome (HBOC). Identifiers: Orphanet 145, MedGen C0677776, MeSH D061325, MONDO:0003582. Disease mechanism: loss of function.
Breast-ovarian cancer, familial, susceptibility to, 2 (BROVCA2). Also called: BRCA2 Hereditary Breast and Ovarian Cancer. Identifiers: Orphanet 145, MedGen C2675520, MONDO:0012933, OMIM 612555. Disease mechanism: loss of function.
Pancreatic cancer, susceptibility to, 2. Identifiers: Orphanet 1333, MedGen C3150546, MONDO:0013235, OMIM 613347.
Malignant tumor of breast. Also called: Malignant breast neoplasm; Cancer breast. Identifiers: MedGen C0006142, MONDO:0007254. Disease mechanism: loss of function.

Allele frequency attached by ClinVar (database versions not stated): gnomAD exomes below 0.00001 and 0.00002; gnomAD 0.00001; TOPMed 0.00002.
gnomAD v4.1: 33 of 1,613,706 alleles (0.002%); highest among the groups gnomAD compares: Non-Finnish European, 0.0025%; no homozygotes.

Submissions (14):

PreventionGenetics, part of Exact Sciences
Classification: Likely benign for BRCA2-related condition. Last evaluated: 2026-09-01. Review status: criteria provided, single submitter. Criteria: ACMG Guidelines, 2015. Collection method: clinical testing. Allele origin: germline.
Comment: This variant is classified as likely benign based on ACMG/AMP sequence variant interpretation guidelines (Richards et al. 2015 PMID: 25741868, with internal and published modifications).

Center for Genomic Medicine, Rigshospitalet, Copenhagen University Hospital
Classification: Likely benign. Last evaluated: 2025-12-29. Review status: criteria provided, single submitter. Criteria: ACMG Guidelines, 2015. Collection method: clinical testing. Allele origin: germline.
Comment: Classification criteria: BP4, BS3

Labcorp Genetics (formerly Invitae), Labcorp
Classification: Likely benign for Hereditary breast ovarian cancer syndrome. Last evaluated: 2025-11-23. Review status: criteria provided, single submitter. Criteria: Invitae Variant Classification Sherloc (09022015). Collection method: clinical testing. Allele origin: germline.

Quest Diagnostics Nichols Institute San Juan Capistrano
Classification: Likely benign. Last evaluated: 2025-06-17. Review status: criteria provided, single submitter. Criteria: Quest Diagnostics criteria. Collection method: clinical testing. Allele origin: unknown.

Department of Pathology and Laboratory Medicine, Sinai Health System
Classification: Likely benign for Pancreatic cancer, susceptibility to, 2. Last evaluated: 2023-03-20. Review status: criteria provided, single submitter. Criteria: ACMG Guidelines, 2015. Collection method: clinical testing. Allele origin: germline. Affected: yes.

Women's Health and Genetics/Laboratory Corporation of America, LabCorp
Classification: Likely benign. Last evaluated: 2022-10-21. Review status: criteria provided, single submitter. Criteria: LabCorp Variant Classification Summary - May 2015. Collection method: clinical testing. Allele origin: germline.
Comment: Variant summary: BRCA2 c.8359C>T (p.Arg2787Cys) results in a non-conservative amino acid change located in the OB1 fold (IPR015187) of the encoded protein sequence. Three of five in-silico tools predict a benign effect of the variant on protein function. The variant allele was found at a frequency of 4e-06 in 251422 control chromosomes (gnomAD). The available data on variant occurrences in the general population are insufficient to allow any conclusion about variant significance. c.8359C>T has been reported in the literature in at least one individual affected with breast cancer, suspected of Hereditary Breast And Ovarian Cancer Syndrome (e.g. Moradian_2021, Bisgin_2022). However, in this individual and at least one other, co-occurrences with other pathogenic variants have been reported (BRCA2 c.1414C>T, p.Gln472X reported in Moradian_2021, Bisgin_2022 and BIC database; BRCA1 c.4612C>T, p.Gln1538X in BIC database; BRCA1 c.1407_1408delAA, p.Ser470ProfsX9 via internal testing), providing supporting evidence for a benign role. At least one publication reports experimental evidence evaluating an impact on protein function (e.g. Guidugli_2018). The results of this HDR assay showed no damaging effect for this variant. HDR assays qualify as a recognized gold standard on the basis of updated guidance provided by the ClinGen Sequence Variant Interpretation (SVI) working group. This working group has recommended strong functional evidence (ACMG BS3) as sufficient weightage for categorization as likely benign (Tavtigian_2018). Seven submitters have provided clinical-significance assessments for this variant to ClinVar after 2014. Multiple laboratories reported the variant with conflicting assessments. The majority classified the variant as either benign (n=2) or likely benign (n=3), and the remaining classified it as VUS (n=2). Based on the evidence outlined above, the variant was classified as likely benign.

Genetics and Molecular Pathology, SA Pathology
Classification: Uncertain significance for Breast-ovarian cancer, familial, susceptibility to, 2. Last evaluated: 2020-11-25. Review status: criteria provided, single submitter. Criteria: ACMG Guidelines, 2015. Collection method: clinical testing. Allele origin: germline. Affected: yes.

Ambry Genetics
Classification: Benign for Hereditary cancer-predisposing syndrome. Last evaluated: 2020-03-17. Review status: criteria provided, single submitter. Criteria: Ambry Variant Classification Scheme 2023. Collection method: clinical testing. Allele origin: germline.

GeneDx
Classification: Likely benign. Last evaluated: 2019-04-03. Review status: criteria provided, single submitter. Criteria: GeneDx Variant Classification Process June 2021. Collection method: clinical testing. Allele origin: germline. Affected: yes.
Comment: This variant is associated with the following publications: (PMID: 19043619, 29394989, 25348012, 29884841)

Color Diagnostics, LLC DBA Color Health
Classification: Likely benign for Hereditary cancer-predisposing syndrome. Last evaluated: 2017-09-07. Review status: criteria provided, single submitter. Criteria: ACMG Guidelines, 2015. Collection method: clinical testing. Allele origin: germline.

King Laboratory, University of Washington
Classification: Benign. Last evaluated: 2019-09-01. Review status: no assertion criteria provided. Collection method: research. Allele origin: germline. Affected: yes. Not counted in ClinVar's aggregate classification.
Comment: Transcript analysis by cBROCA

Counsyl
Classification: Uncertain significance for Breast-ovarian cancer, familial, susceptibility to, 2. Last evaluated: 2017-04-10. Review status: no assertion criteria provided. Collection method: clinical testing. Allele origin: unknown. Not counted in ClinVar's aggregate classification.

Breast Cancer Information Core (BIC) (BRCA2)
Classification: Uncertain significance for Breast-ovarian cancer, familial 2. Last evaluated: 2002-05-29. Review status: no assertion criteria provided. Collection method: clinical testing. Allele origin: germline. Affected: yes. Observed: 6 variant alleles. Not counted in ClinVar's aggregate classification.

Center of Medical Genetics and Primary Health Care
Classification: Likely benign for Breast Cancer. Review status: no assertion criteria provided. Collection method: clinical testing. Allele origin: germline. Affected: yes. Not counted in ClinVar's aggregate classification.

Literature cited by the submitters: PubMed 19043619 (cited by 3 submitters); PubMed 25348012 (cited by Quest Diagnostics Nichols Institute San Juan Capistrano); PubMed 29394989 (cited by 3 submitters); PubMed 33471991 (cited by Quest Diagnostics Nichols Institute San Juan Capistrano); PubMed 35753294 (cited by 3 submitters); PubMed 33558524 (cited by 3 submitters); PubMed 31843900 (cited by Quest Diagnostics Nichols Institute San Juan Capistrano and King Laboratory, University of Washington); PubMed 31131967 (cited by Quest Diagnostics Nichols Institute San Juan Capistrano and Women's Health and Genetics/Laboratory Corporation of America, LabCorp); PubMed 29884841 (cited by Quest Diagnostics Nichols Institute San Juan Capistrano and Women's Health and Genetics/Laboratory Corporation of America, LabCorp); PubMed 34326862 (cited by Quest Diagnostics Nichols Institute San Juan Capistrano).

NM_000059.4(BRCA2):c.8359C>T (p.Arg2787Cys)

Gene: BRCA2 (BRCA2 DNA repair associated; plus strand). Cytogenetic location: 13q13.1.
Variant type: single nucleotide variant.
Coding change: c.8359C>T on transcript NM_000059.4 (MANE Select); coding-DNA position 8359, C replaced by T.
Protein change: p.Arg2787Cys; replaces arginine 2787 with cysteine.
Molecular consequence: missense variant.
Genome position (GRCh38, 1-based): chr13:32,370,429, C>T. VCF-style: chr13-32370429-C-T. GRCh37 (hg19) VCF-style: chr13-32944566-C-T.
Other names: short protein forms R2787C.
Identifiers: ClinVar variation 52562 (VCV000052562.35), dbSNP rs41293517, ClinGen allele CA025600.
Genomic context (GRCh38, chr13:32,370,429, plus strand): 5'-CTACTAAATCAATATATTTATTAATTTGTCCAGATTTCTGCTAACAGTACTCGGCCTGCT[C>T]GCTGGTATACCAAACTTGGATTCTTTCCTGACCCTAGACCTTTTCCTCTGCCCTTATCAT-3'
Protein context (NP_000050.3, residues 2777-2797): KISANSTRPA[Arg2787Cys]WYTKLGFFPD